The following is an entry in ClinVar:

ClinVar aggregate classification (germline): Uncertain significance (1 of 4 stars; one submission).

Conditions:
Inborn genetic diseases. Identifiers: MedGen C0950123, MeSH D030342.

Submission:

Ambry Genetics
Classification: Uncertain significance for Inborn genetic diseases. Last evaluated: 2026-04-15. Review status: criteria provided, single submitter. Criteria: Ambry Variant Classification Scheme 2023. Collection method: clinical testing. Allele origin: germline.
Comment: The c.1733-5C>T intronic variant results from a C to T substitution 5 nucleotides upstream from coding exon 17 in the DDX41 gene. This nucleotide position is not well conserved in available vertebrate species. In silico splice site analysis predicts that this alteration will not have any significant effect on splicing. Based on the available evidence, the clinical significance of this variant remains unclear.

NM_016222.4(DDX41):c.1733-5C>T

Gene: DDX41 (DEAD-box helicase 41; minus strand). Cytogenetic location: 5q35.3.
Variant type: single nucleotide variant.
Coding change: c.1733-5C>T on transcript NM_016222.4 (MANE Select); 5 bases into the intron before coding-DNA position 1733, C replaced by T.
Molecular consequence: intron variant.
Genome position (GRCh38, 1-based): chr5:177,511,932, G>A on the plus strand (C>T on the coding strand, the complement: DDX41 is on the minus strand). VCF-style: chr5-177511932-G-A. GRCh37 (hg19) VCF-style: chr5-176938933-G-A.
Other names: c.1355-5C>T (NM_001321830.2, NM_001321732.2).
Identifiers: ClinVar variation 4869643 (VCV004869643.1).